The following is an entry in ClinVar:

ClinVar aggregate classification (germline): Uncertain significance (1 of 4 stars; one submission).

Conditions:
Hereditary cancer-predisposing syndrome. Also called: Neoplastic Syndromes, Hereditary; Tumor predisposition; Hereditary Cancer Syndrome; Hereditary neoplastic syndrome. Identifiers: Orphanet 140162, MedGen C0027672, MeSH D009386, MONDO:0015356.

Submission:

Labcorp Genetics (formerly Invitae), Labcorp
Classification: Uncertain significance for Hereditary cancer-predisposing syndrome. Last evaluated: 2017-03-15. Review status: criteria provided, single submitter. Criteria: Invitae Variant Classification Sherloc (09022015). Collection method: clinical testing. Allele origin: germline.
Comment: This sequence change replaces leucine with proline at codon 213 of the RAD50 protein (p.Leu213Pro). The leucine residue is highly conserved and there is a moderate physicochemical difference between leucine and proline. In summary, this variant is a novel missense change with uncertain impact on protein function. It has been classified as a Variant of Uncertain Significance. Algorithms developed to predict the effect of missense changes on protein structure and function do not agree on the potential impact of this missense change (SIFT: "Deleterious"; PolyPhen-2: "Probably Damaging"; Align-GVGD: "Class C15"). This variant is not present in population databases (ExAC no frequency) and has not been reported in the literature in individuals with a RAD50-related disease.

NM_005732.4(RAD50):c.638T>C (p.Leu213Pro)

Gene: RAD50 (RAD50 double strand break repair protein; plus strand). Cytogenetic location: 5q31.1.
Variant type: single nucleotide variant.
Coding change: c.638T>C on transcript NM_005732.4 (MANE Select); coding-DNA position 638, T replaced by C.
Protein change: p.Leu213Pro; replaces leucine 213 with proline.
Molecular consequence: missense variant.
Genome position (GRCh38, 1-based): chr5:132,579,948, T>C. VCF-style: chr5-132579948-T-C. GRCh37 (hg19) VCF-style: chr5-131915640-T-C.
Other names: short protein forms L213P.
Identifiers: ClinVar variation 457483 (VCV000457483.9), dbSNP rs1554097813, ClinGen allele CA360936076.